The following is an entry in ClinVar:

ClinVar aggregate classification (germline): Likely benign (1 of 4 stars; one submission).

Submission:

GeneDx
Classification: Likely benign. Last evaluated: 2016-12-13. Review status: criteria provided, single submitter. Criteria: GeneDx Variant Classification (06012015). Collection method: clinical testing. Allele origin: germline. Affected: yes.
Comment: This variant is considered likely benign or benign based on one or more of the following criteria: it is a conservative change, it occurs at a poorly conserved position in the protein, it is predicted to be benign by multiple in silico algorithms, and/or has population frequency not consistent with disease.

NM_001875.5(CPS1):c.2829+20C>G

Gene: CPS1 (carbamoyl-phosphate synthase 1; plus strand). Cytogenetic location: 2q34.
Variant type: single nucleotide variant.
Coding change: c.2829+20C>G on transcript NM_001875.5 (MANE Select); 20 bases into the intron after coding-DNA position 2829, C replaced by G.
Molecular consequence: intron variant.
Genome position (GRCh38, 1-based): chr2:210,637,863, C>G. VCF-style: chr2-210637863-C-G. GRCh37 (hg19) VCF-style: chr2-211502587-C-G.
Other names: c.2829+20C>G (LRG_336t1, NM_001369257.1, NM_001122633.3); c.2862+20C>G (NM_001369256.1).
Identifiers: ClinVar variation 391432 (VCV000391432.1), dbSNP rs1057524082, ClinGen allele CA16604040.